The following is an entry in ClinVar:

NM_016169.4(SUFU):c.31G>A (p.Gly11Ser)

Genes: SUFU (SUFU negative regulator of hedgehog signaling; plus strand), LOC130004614 (ATAC-STARR-seq lymphoblastoid silent region 2764; plus strand). Cytogenetic location: 10q24.32.
Variant type: single nucleotide variant.
Coding change: c.31G>A on transcript NM_016169.4 (MANE Select); coding-DNA position 31, G replaced by A.
Protein change: p.Gly11Ser; replaces glycine 11 with serine.
Molecular consequence: missense variant.
Genome position (GRCh38, 1-based): chr10:102,504,183, G>A. VCF-style: chr10-102504183-G-A. GRCh37 (hg19) VCF-style: chr10-104263940-G-A.
Other names: c.31G>A, p.Gly11Ser (NM_001178133.2); short protein forms G11S.
Identifiers: ClinVar variation 2939845 (VCV002939845.3), dbSNP rs1322807658, ClinGen allele CA377886154.
Genomic context (GRCh38, chr10:102,504,183, plus strand): 5'-GTTCCCCCAGTGCCTGCCCTACGCACCCCGATGGCGGAGCTGCGGCCTAGCGGCGCCCCC[G>A]GCCCCACCGCGCCCCCGGCCCCTGGCCCGACTGCCCCCCCGGCCTTCGCTTCGCTCTTTC-3'
Protein context (NP_057253.2, residues 1-21): MAELRPSGAP[Gly11Ser]PTAPPAPGPT

ClinVar aggregate classification (germline): Uncertain significance (1 of 4 stars; one submission).

Conditions:
Gorlin syndrome. Also called: Nevoid Basal Cell Carcinoma Syndrome; Basal cell nevus syndrome. Identifiers: Orphanet 377, MedGen C0004779, MONDO:0007187.
Medulloblastoma (MDB). Also called: MEDULLOBLASTOMA PREDISPOSITION SYNDROME; Medulloblastoma, somatic. Identifiers: Orphanet 616, MedGen C0025149, MeSH D008527, MONDO:0007959, OMIM 155255, HP:0002885.

Allele frequency attached by ClinVar (database versions not stated): gnomAD exomes below 0.00001.
gnomAD v4.1: 2 of 872,042 alleles (0.00023%); highest among the groups gnomAD compares: Non-Finnish European, 0.00033%; no homozygotes.

Submission:

Labcorp Genetics (formerly Invitae), Labcorp
Classification: Uncertain significance for Gorlin syndrome; Medulloblastoma. Last evaluated: 2023-10-22. Review status: criteria provided, single submitter. Criteria: Invitae Variant Classification Sherloc (09022015). Collection method: clinical testing. Allele origin: germline.
Comment: This sequence change replaces glycine, which is neutral and non-polar, with serine, which is neutral and polar, at codon 11 of the SUFU protein (p.Gly11Ser). The frequency data for this variant in the population databases is considered unreliable, as metrics indicate poor data quality at this position in the gnomAD database. This variant has not been reported in the literature in individuals affected with SUFU-related conditions. Algorithms developed to predict the effect of missense changes on protein structure and function output the following: SIFT: "Not Available"; PolyPhen-2: "Possibly Damaging"; Align-GVGD: "Not Available". The serine amino acid residue is found in multiple mammalian species, which suggests that this missense change does not adversely affect protein function. In summary, the available evidence is currently insufficient to determine the role of this variant in disease. Therefore, it has been classified as a Variant of Uncertain Significance.